The following is an entry in ClinVar:

NM_000228.3(LAMB3):c.2141C>G (p.Ala714Gly)

Gene: LAMB3 (laminin subunit beta 3; minus strand). Cytogenetic location: 1q32.2.
Variant type: single nucleotide variant.
Coding change: c.2141C>G on transcript NM_000228.3 (MANE Select); coding-DNA position 2141, C replaced by G.
Protein change: p.Ala714Gly; replaces alanine 714 with glycine.
Molecular consequence: missense variant.
Genome position (GRCh38, 1-based): chr1:209,623,722, G>C on the plus strand (C>G on the coding strand, the complement: LAMB3 is on the minus strand). VCF-style: chr1-209623722-G-C. GRCh37 (hg19) VCF-style: chr1-209797067-G-C.
Other names: c.2141C>G, p.Ala714Gly (NM_001017402.2, NM_001127641.1); short protein forms A714G.
Identifiers: ClinVar variation 4999802 (VCV004999802.1).
Genomic context (GRCh38, chr1:209,623,722, plus strand): 5'-TCGGAGACCTGCTGAGCAGCCTGGGCTGACTGCTCGTAGGCTGTGCTCAGCATCCGGAAG[G>C]CTCCTGTGGCGAGAAGCATGAGGAATGGAGATGGAGGAGGAGCAGGAGGGAGAGGGGGTG-3'
Protein context (NP_000219.2, residues 704-724): EKISSADPSG[Ala714Gly]FRMLSTAYEQ

ClinVar aggregate classification (germline): Uncertain significance (1 of 4 stars; one submission).

Conditions:
LAMB3-related disorder. Also called: LAMB3-related condition.

gnomAD v4.1: 12 of 1,613,878 alleles (0.00074%); highest among the groups gnomAD compares: Admixed American, 0.0033%; no homozygotes.

Submission:

PreventionGenetics, part of Exact Sciences
Classification: Uncertain significance for LAMB3-related condition. Last evaluated: 2025-08-30. Review status: criteria provided, single submitter. Criteria: ACMG Guidelines, 2015. Collection method: clinical testing. Allele origin: germline.
Comment: The LAMB3 c.2141C>G variant is predicted to result in the amino acid substitution p.Ala714Gly. To our knowledge, this variant has not been reported in the literature. This variant is reported in 0.0057% of alleles in individuals of Latino descent in gnomAD. At this time, the clinical significance of this variant is uncertain due to the absence of conclusive functional and genetic evidence.